The following is an entry in ClinVar:

NM_153676.4(USH1C):c.2270G>T (p.Arg757Leu)

Gene: USH1C (USH1 protein network component harmonin; minus strand). Cytogenetic location: 11p15.1.
Variant type: single nucleotide variant.
Coding change: c.2270G>T on transcript NM_153676.4 (MANE Select); coding-DNA position 2270, G replaced by T.
Protein change: p.Arg757Leu; replaces arginine 757 with leucine.
Molecular consequence: missense variant. On other transcripts: non-coding transcript variant (1).
Genome position (GRCh38, 1-based): chr11:17,501,492, C>A on the plus strand (G>T on the coding strand, the complement: USH1C is on the minus strand). VCF-style: chr11-17501492-C-A. GRCh37 (hg19) VCF-style: chr11-17523039-C-A.
Other names: c.1313G>T, p.Arg438Leu (NM_001297764.2); c.1370G>T, p.Arg457Leu (NM_005709.4); short protein forms R438L, R457L, R757L.
Identifiers: ClinVar variation 2000511 (VCV002000511.4), dbSNP rs753703742, ClinGen allele CA379803354.
Genomic context (GRCh38, chr11:17,501,492, plus strand): 5'-GCAGGCACAGAGAGGGATGGCGGCCCACCGGCCTCCACATGCCCAGGTACCTTCTTGATG[C>A]GTAGGAGCCGGACATCCTTCCCCATGATCTGCTCTGGGGTGAACTAGAGAGAAAAAGACA-3'
Protein context (NP_710142.1, residues 747-767): QIMGKDVRLL[Arg757Leu]IKKEGSLDLA

ClinVar aggregate classification (germline): Uncertain significance (1 of 4 stars; one submission).

gnomAD v4.1: 1 of 1,613,048 alleles (0.000062%); highest among the groups gnomAD compares: Non-Finnish European, 0.000085%; no homozygotes.

Submission:

Labcorp Genetics (formerly Invitae), Labcorp
Classification: Uncertain significance. Last evaluated: 2023-07-17. Review status: criteria provided, single submitter. Criteria: Invitae Variant Classification Sherloc (09022015). Collection method: clinical testing. Allele origin: germline.
Comment: In summary, the available evidence is currently insufficient to determine the role of this variant in disease. Therefore, it has been classified as a Variant of Uncertain Significance. An algorithm developed to predict the effect of missense changes on protein structure and function (PolyPhen-2) suggests that this variant is likely to be disruptive. ClinVar contains an entry for this variant (Variation ID: 2000511). This variant has not been reported in the literature in individuals affected with USH1C-related conditions. This variant is not present in population databases (gnomAD no frequency). This sequence change replaces arginine, which is basic and polar, with leucine, which is neutral and non-polar, at codon 457 of the USH1C protein (p.Arg457Leu).